The following is an entry in ClinVar:

NM_020971.3(SPTBN4):c.1597C>T (p.Gln533Ter)

Gene: SPTBN4 (spectrin beta, non-erythrocytic 4; plus strand). Cytogenetic location: 19q13.2.
Variant type: single nucleotide variant.
Coding change: c.1597C>T on transcript NM_020971.3 (MANE Select); coding-DNA position 1597, C replaced by T.
Protein change: p.Gln533Ter; replaces glutamine 533 with a stop codon.
Molecular consequence: nonsense.
Genome position (GRCh38, 1-based): chr19:40,504,064, C>T. VCF-style: chr19-40504064-C-T. GRCh37 (hg19) VCF-style: chr19-41009971-C-T.
Other names: short protein forms Q533*.
Identifiers: ClinVar variation 375254 (VCV000375254.4), dbSNP rs1114167445, ClinGen allele CA405903868.

ClinVar aggregate classification (germline): Pathogenic. Review status: no assertion criteria provided (0 of 4 stars). 2 submissions from 2 submitters: Pathogenic (2). Last evaluated 2018-08-13.

Conditions:
Neurodevelopmental disorder with hypotonia, neuropathy, and deafness (NEDHND). Also called: Myopathy, congenital, with neuropathy and deafness; SPTBN4 Disorder. Identifiers: MedGen C4479603, MONDO:0060496, OMIM 617519.

Allele frequency attached by ClinVar (database versions not stated): gnomAD exomes below 0.00001 and 0.00001; TOPMed below 0.00001.
gnomAD v4.1: 1 of 1,610,124 alleles (0.000062%); highest among the groups gnomAD compares: Admixed American, 0.0017%; no homozygotes.

Submissions (2):

OMIM
Classification: Pathogenic for NEURODEVELOPMENTAL DISORDER WITH HYPOTONIA, NEUROPATHY, AND DEAFNESS. Last evaluated: 2018-08-13. Review status: no assertion criteria provided. Collection method: literature only. Allele origin: germline.

Charité Universitätsmedizin Berlin, Charite Universitaetsmedizin Berlin
Classification: Pathogenic. Last evaluated: 2017-01-03. Review status: no assertion criteria provided. Collection method: case-control. Allele origin: inherited. Inheritance: Autosomal recessive inheritance. Affected: yes. Observed: 1 heterozygote.
Comment: Homozygosity for the mutations segregates with the phenotype in the family. The absence of the beta-IV spectrin protein could be verified by immunohistology in muscle and by Western blot in muscle and in fibroblasts of the patients. The patient phenotype largely corresponds to the phenotype of the quivering mouse, which has a mutation in the same gene.

Literature cited by the submitters: PubMed 28540413 (cited by OMIM and Charité Universitätsmedizin Berlin, Charite Universitaetsmedizin Berlin).